The following is an entry in ClinVar:

ClinVar aggregate classification (germline): Likely benign. Review status: criteria provided, multiple submitters, no conflicts (2 of 4 stars). 4 submissions from 4 submitters: Likely benign (4). Last evaluated 2025-10-10.

Conditions:
FLNC-related disorder. Also called: FLNC-related disorders; FLNC-related condition.
Myofibrillar myopathy 5. Also called: FILAMINOPATHY, AUTOSOMAL DOMINANT; Filaminopathy (type). Identifiers: Orphanet 171445, MedGen C1836050, MONDO:0012289, OMIM 609524.
Hypertrophic cardiomyopathy 26. Also called: Cardiomyopathy, familial hypertrophic, 26. Identifiers: Orphanet 75249, MedGen C4310749, MONDO:0014883, OMIM 617047.
Distal myopathy with posterior leg and anterior hand involvement. Also called: WILLIAMS DISTAL MYOPATHY. Identifiers: Orphanet 63273, MedGen C3279722, MONDO:0013550, OMIM 614065.
Cardiovascular phenotype. Identifiers: MedGen CN230736.

Allele frequency attached by ClinVar (database versions not stated): gnomAD 0.00002; TOPMed 0.00003.
gnomAD v4.1: 52 of 1,556,210 alleles (0.0033%); highest among the groups gnomAD compares: Non-Finnish European, 0.0043%; no homozygotes.

Submissions (4):

Labcorp Genetics (formerly Invitae), Labcorp
Classification: Likely benign for Distal myopathy with posterior leg and anterior hand involvement; Myofibrillar myopathy 5; Hypertrophic cardiomyopathy 26. Last evaluated: 2025-10-10. Review status: criteria provided, single submitter. Criteria: Invitae Variant Classification Sherloc (09022015). Collection method: clinical testing. Allele origin: germline.

PreventionGenetics, part of Exact Sciences
Classification: Likely benign for FLNC-related condition. Last evaluated: 2025-07-10. Review status: criteria provided, single submitter. Criteria: ACMG Guidelines, 2015. Collection method: clinical testing. Allele origin: germline.
Comment: This variant is classified as likely benign based on ACMG/AMP sequence variant interpretation guidelines (Richards et al. 2015 PMID: 25741868, with internal and published modifications).

Women's Health and Genetics/Laboratory Corporation of America, LabCorp
Classification: Likely benign. Last evaluated: 2024-09-22. Review status: criteria provided, single submitter. Criteria: LabCorp Variant Classification Summary - May 2015. Collection method: clinical testing. Allele origin: germline.

Ambry Genetics
Classification: Likely benign for Cardiovascular phenotype. Last evaluated: 2019-05-19. Review status: criteria provided, single submitter. Criteria: Ambry Variant Classification Scheme 2023. Collection method: clinical testing. Allele origin: germline.

NM_001458.5(FLNC):c.2364G>A (p.Thr788=)

Gene: FLNC (filamin C; plus strand). Cytogenetic location: 7q32.1.
Variant type: single nucleotide variant.
Coding change: c.2364G>A on transcript NM_001458.5 (MANE Select); coding-DNA position 2364, G replaced by A.
Protein change: p.Thr788=; no amino-acid change (threonine 788 retained).
Molecular consequence: synonymous variant.
Genome position (GRCh38, 1-based): chr7:128,842,673, G>A. VCF-style: chr7-128842673-G-A. GRCh37 (hg19) VCF-style: chr7-128482727-G-A.
Other names: c.2364G>A, p.Thr788= (NM_001127487.2).
Identifiers: ClinVar variation 472006 (VCV000472006.13), dbSNP rs1020284790, ClinGen allele CA166175183.
Genomic context (GRCh38, chr7:128,842,673, plus strand): 5'-GGTGTACGGCCCCGGAGTGGAGAAGACAGGCCTCAAGGCCAATGAGCCCACCTACTTCAC[G>A]GTGGACTGCAGCGAGGCGGGGCAAGGTGCGCCCAGCCGGAAGGGGTGGGTCTGGGAGGGG-3'
Protein context (NP_001449.3, residues 778-798): GLKANEPTYF[Thr788=]VDCSEAGQGD